The following is an entry in ClinVar:

NM_000088.4(COL1A1):c.2396C>T (p.Pro799Leu)

Gene: COL1A1 (collagen type I alpha 1 chain; minus strand). Cytogenetic location: 17q21.33.
Variant type: single nucleotide variant.
Coding change: c.2396C>T on transcript NM_000088.4 (MANE Select); coding-DNA position 2396, C replaced by T.
Protein change: p.Pro799Leu; replaces proline 799 with leucine.
Molecular consequence: missense variant.
Genome position (GRCh38, 1-based): chr17:50,190,544, G>A on the plus strand (C>T on the coding strand, the complement: COL1A1 is on the minus strand). VCF-style: chr17-50190544-G-A. GRCh37 (hg19) VCF-style: chr17-48267905-G-A.
Other names: short protein forms P799L.
Identifiers: ClinVar variation 2716350 (VCV002716350.4), dbSNP rs758557950, ClinGen allele CA8644841.

ClinVar aggregate classification (germline): Uncertain significance. Review status: criteria provided, multiple submitters, no conflicts (2 of 4 stars). 2 submissions from 2 submitters: Uncertain significance (2). Last evaluated 2025-07-15.

Conditions:
Osteogenesis imperfecta type I (OI1). Also called: Lobstein's Disease; Classic Non-deforming Osteogenesis Imperfecta with Blue Sclerae; Lobstein disease; OI, TYPE I; OSTEOGENESIS IMPERFECTA TARDA; OSTEOGENESIS IMPERFECTA WITH BLUE SCLERAE. Identifiers: Orphanet 216796, Orphanet 666, MedGen C0023931, MONDO:0008146, OMIM 166200. Disease mechanism: loss of function.
Cardiovascular phenotype. Identifiers: MedGen CN230736.

Allele frequency attached by ClinVar (database versions not stated): ExAC 0.00001; TOPMed 0.00001; gnomAD exomes 0.00002.
gnomAD v4.1: 23 of 1,612,582 alleles (0.0014%); highest among the groups gnomAD compares: Non-Finnish European, 0.0019%; no homozygotes.

Submissions (2):

Labcorp Genetics (formerly Invitae), Labcorp
Classification: Uncertain significance for Osteogenesis imperfecta type I. Last evaluated: 2025-07-15. Review status: criteria provided, single submitter. Criteria: Invitae Variant Classification Sherloc (09022015). Collection method: clinical testing. Allele origin: germline.
Comment: This sequence change replaces proline, which is neutral and non-polar, with leucine, which is neutral and non-polar, at codon 799 of the COL1A1 protein (p.Pro799Leu). This variant is present in population databases (rs758557950, gnomAD 0.0009%). This variant has not been reported in the literature in individuals affected with COL1A1-related conditions. ClinVar contains an entry for this variant (Variation ID: 2716350). Experimental studies and prediction algorithms are not available or were not evaluated, and the functional significance of this variant is currently unknown. In summary, the available evidence is currently insufficient to determine the role of this variant in disease. Therefore, it has been classified as a Variant of Uncertain Significance.

Ambry Genetics
Classification: Uncertain significance for Cardiovascular phenotype. Last evaluated: 2024-08-23. Review status: criteria provided, single submitter. Criteria: Ambry Variant Classification Scheme 2023. Collection method: clinical testing. Allele origin: germline.
Comment: The p.P799L variant (also known as c.2396C>T), located in coding exon 34 of the COL1A1 gene, results from a C to T substitution at nucleotide position 2396. The proline at codon 799 is replaced by leucine, an amino acid with similar properties. This amino acid position is well conserved in available vertebrate species. In addition, this alteration is predicted to be deleterious by in silico analysis. Based on the available evidence, the clinical significance of this variant remains unclear.